The following is an entry in ClinVar:

ClinVar aggregate classification (germline): Uncertain significance (1 of 4 stars; one submission).

Conditions:
Chédiak-Higashi syndrome (CHS). Also called: Chediak-Higashi Syndrome. Identifiers: Orphanet 167, MedGen C0007965, MONDO:0008963, OMIM 214500.

gnomAD v4.1: 1 of 1,592,052 alleles (0.000063%); highest among the groups gnomAD compares: Non-Finnish European, 0.000086%; no homozygotes.

Submission:

Labcorp Genetics (formerly Invitae), Labcorp
Classification: Uncertain significance for ChÃ©diak-Higashi syndrome. Last evaluated: 2019-03-18. Review status: criteria provided, single submitter. Criteria: Invitae Variant Classification Sherloc (09022015). Collection method: clinical testing. Allele origin: germline.
Comment: This sequence change replaces glutamic acid with glutamine at codon 2854 of the LYST protein (p.Glu2854Gln). The glutamic acid residue is moderately conserved and there is a small physicochemical difference between glutamic acid and glutamine. This variant is not present in population databases (ExAC no frequency). This variant has not been reported in the literature in individuals with LYST-related conditions. Algorithms developed to predict the effect of missense changes on protein structure and function are either unavailable or do not agree on the potential impact of this missense change (SIFT: "Tolerated"; PolyPhen-2: "Probably Damaging"; Align-GVGD: "Class C0"). In summary, the available evidence is currently insufficient to determine the role of this variant in disease. Therefore, it has been classified as a Variant of Uncertain Significance.

NM_000081.4(LYST):c.8560G>C (p.Glu2854Gln)

Gene: LYST (lysosomal trafficking regulator; minus strand). Cytogenetic location: 1q42.3.
Variant type: single nucleotide variant.
Coding change: c.8560G>C on transcript NM_000081.4 (MANE Select); coding-DNA position 8560, G replaced by C.
Protein change: p.Glu2854Gln; replaces glutamic acid 2854 with glutamine.
Molecular consequence: missense variant.
Genome position (GRCh38, 1-based): chr1:235,733,882, C>G on the plus strand (G>C on the coding strand, the complement: LYST is on the minus strand). VCF-style: chr1-235733882-C-G. GRCh37 (hg19) VCF-style: chr1-235897182-C-G.
Other names: c.8560G>C, p.Glu2854Gln (NM_001301365.1); short protein forms E2854Q.
Identifiers: ClinVar variation 845186 (VCV000845186.1), dbSNP rs144384971, ClinGen allele CA344920719.